The following is an entry in ClinVar:

NM_017775.4(TTC19):c.462+4A>T

Gene: TTC19 (tetratricopeptide repeat domain 19; plus strand). Cytogenetic location: 17p12.
Variant type: single nucleotide variant.
Coding change: c.462+4A>T on transcript NM_017775.4 (MANE Select); 4 bases into the intron after coding-DNA position 462, A replaced by T.
Molecular consequence: intron variant.
Genome position (GRCh38, 1-based): chr17:16,002,835, A>T. VCF-style: chr17-16002835-A-T. GRCh37 (hg19) VCF-style: chr17-15906149-A-T.
Other names: c.141+4A>T (NM_001271420.2).
Identifiers: ClinVar variation 4292459 (VCV004292459.1).

ClinVar aggregate classification (germline): Uncertain significance (1 of 4 stars; one submission).

Conditions:
Mitochondrial complex III deficiency nuclear type 2. Identifiers: MedGen C3554605, MONDO:0014063, OMIM 615157.

Submission:

3billion
Classification: Uncertain significance for Mitochondrial complex III deficiency nuclear type 2. Last evaluated: 2024-12-12. Review status: criteria provided, single submitter. Criteria: ACMG Guidelines, 2015. Collection method: clinical testing. Allele origin: germline. Affected: yes.
Comment: The variant is not observed in the gnomAD v4.1.0 dataset. Predicted Consequence/Location: Intron variant In silico tools predict the variant to alter splicing and produce an abnormal transcript [SpliceAI: 0.81 (>=0.2, moderate evidence for spliceogenicity)]. Therefore, this variant is classified as VUS according to the recommendation of ACMG/AMP guideline.